The following is an entry in ClinVar:

NM_012388.4(BLOC1S6):c.14G>T (p.Gly5Val)

Gene: BLOC1S6 (biogenesis of lysosomal organelles complex 1 subunit 6; plus strand). Cytogenetic location: 15q21.1.
Variant type: single nucleotide variant.
Coding change: c.14G>T on transcript NM_012388.4 (MANE Select); coding-DNA position 14, G replaced by T.
Protein change: p.Gly5Val; replaces glycine 5 with valine.
Molecular consequence: missense variant. On other transcripts: non-coding transcript variant (5).
Genome position (GRCh38, 1-based): chr15:45,587,457, G>T. VCF-style: chr15-45587457-G-T. GRCh37 (hg19) VCF-style: chr15-45879655-G-T.
Other names: c.14G>T (NM_012388.2); short protein forms G5V.
Identifiers: ClinVar variation 1514259 (VCV001514259.4), dbSNP rs756977799, ClinGen allele CA7544214.
Genomic context (GRCh38, chr15:45,587,457, plus strand): 5'-GACGAGCCACACGTTTGCTTCTTCCCTGTGTTCCCAGCTGGAGGGACATGAGTGTCCCTG[G>T]GCCGTCGTCTCCGGACGGGGCCCTGACACGGCCACCCTACTGCCTGGAGGCCGGGGAGCC-3'
Protein context (NP_036520.1, residues 1-15): MSVP[Gly5Val]PSSPDGALTR

ClinVar aggregate classification (germline): Uncertain significance. Review status: criteria provided, multiple submitters, no conflicts (2 of 4 stars). 2 submissions from 2 submitters: Uncertain significance (2). Last evaluated 2024-03-29.

Conditions:
Inborn genetic diseases. Identifiers: MedGen C0950123, MeSH D030342.
Hermansky-Pudlak syndrome 9 (HPS9). Identifiers: Orphanet 280663, Orphanet 79430, MedGen C3280026, MONDO:0013606, OMIM 614171.

Submissions (2):

Ambry Genetics
Classification: Uncertain significance for Inborn genetic diseases. Last evaluated: 2024-03-29. Review status: criteria provided, single submitter. Criteria: Ambry Variant Classification Scheme 2023. Collection method: clinical testing. Allele origin: germline.

Labcorp Genetics (formerly Invitae), Labcorp
Classification: Uncertain significance for Hermansky-Pudlak syndrome 9. Last evaluated: 2021-08-12. Review status: criteria provided, single submitter. Criteria: Invitae Variant Classification Sherloc (09022015). Collection method: clinical testing. Allele origin: germline.
Comment: This sequence change replaces glycine with valine at codon 5 of the BLOC1S6 protein (p.Gly5Val). The glycine residue is moderately conserved and there is a moderate physicochemical difference between glycine and valine. The frequency data for this variant in the population databases is considered unreliable, as metrics indicate poor data quality at this position in the ExAC database. This variant has not been reported in the literature in individuals affected with BLOC1S6-related conditions. Algorithms developed to predict the effect of missense changes on protein structure and function output the following: SIFT: "Tolerated"; PolyPhen-2: "Benign"; Align-GVGD: "Class C0". The valine amino acid residue is found in multiple mammalian species, which suggests that this missense change does not adversely affect protein function. In summary, the available evidence is currently insufficient to determine the role of this variant in disease. Therefore, it has been classified as a Variant of Uncertain Significance.